The following is an entry in ClinVar:

ClinVar aggregate classification (germline): Conflicting classifications of pathogenicity. Review status: criteria provided, conflicting classifications (1 of 4 stars). 7 submissions from 7 submitters: Likely pathogenic (5); Uncertain significance (1). 1 of the submissions does not count toward it. Last evaluated 2026-04-14.

Conditions:
Hematuria, benign familial, 1 (BFH1). Also called: THIN MEMBRANE NEPHROPATHY. Identifiers: MedGen CN376803, MONDO:0007709, OMIM 141200.
Autosomal recessive Alport syndrome (ATS2). Also called: COL4A3-Related Nephropathy; Alport syndrome type 2; ALPORT SYNDROME 2, AUTOSOMAL RECESSIVE; COL4A4 Alport Syndrome and Thin Basement Membrane Nephropathy. Identifiers: Orphanet 63, Orphanet 88919, MedGen C4746745, MONDO:0008762, OMIM 203780.
Alport syndrome. Also called: Hemorrhagic familial nephritis; Hemorrhagic hereditary nephritis; Congenital hereditary hematuria. Identifiers: Orphanet 63, MedGen C1567741, MONDO:0018965.
Autosomal dominant Alport syndrome (ATS3A). Also called: ALPORT SYNDROME 3A, AUTOSOMAL DOMINANT; Alport syndrome dominant type; Renal failure and sensorineural hearing loss. Identifiers: Orphanet 63, Orphanet 88918, MedGen C5882663, MONDO:0007086, OMIM 104200.
Benign familial hematuria. Also called: thin basement membrane disease. Identifiers: MedGen C0241908, MONDO:0957317.

Allele frequency attached by ClinVar (database versions not stated): TOPMed 0.00001; gnomAD exomes 0.00001; gnomAD 0.00001.
gnomAD v4.1: 6 of 1,614,128 alleles (0.00037%); highest among the groups gnomAD compares: Non-Finnish European, 0.00051%; no homozygotes.

Submissions (7):

Women's Health and Genetics/Laboratory Corporation of America, LabCorp
Classification: Likely pathogenic for Benign familial hematuria. Last evaluated: 2026-04-14. Review status: criteria provided, single submitter. Criteria: LabCorp Variant Classification Summary - May 2015. Collection method: clinical testing. Allele origin: germline.
Comment: Variant summary: COL4A4 c.5048G>A (p.Cys1683Tyr) results in a non-conservative amino acid change in the encoded protein sequence. Algorithms developed to predict the effect of missense changes on protein structure and function all suggest that this variant is likely to be disruptive. The variant allele was found at a frequency of 8e-06 in 249590 control chromosomes. c.5048G>A has been observed in individuals affected with autosomal dominant Hematuria, Thin Membrane Neuropathy and Chronic Kidney disease (Popp_2022, Weber_2016, internal_testing). These data indicate that the variant may be associated with disease. To our knowledge, no experimental evidence demonstrating an impact on protein function has been reported. The following publications have been ascertained in the context of this evaluation (PMID: 36100708, 26809805). ClinVar contains an entry for this variant (Variation ID: 553809). This variant has not been reported in individuals with Alport Syndrome. Based on the evidence outlined above, the variant was classified as likely pathogenic.

Labcorp Genetics (formerly Invitae), Labcorp
Classification: Likely pathogenic. Last evaluated: 2025-11-02. Review status: criteria provided, single submitter. Criteria: Invitae Variant Classification Sherloc (09022015). Collection method: clinical testing. Allele origin: germline.
Comment: This sequence change replaces cysteine, which is neutral and slightly polar, with tyrosine, which is neutral and polar, at codon 1683 of the COL4A4 protein (p.Cys1683Tyr). This variant is present in population databases (no rsID available, gnomAD 0.002%). This missense change has been observed in individuals with clinical features of autosomal dominant Alport syndrome (PMID: 26809805; internal data). ClinVar contains an entry for this variant (Variation ID: 553809). Invitae Evidence Modeling of protein sequence and biophysical properties (such as structural, functional, and spatial information, amino acid conservation, physicochemical variation, residue mobility, and thermodynamic stability) has been performed for this missense variant. However, the output from this modeling did not meet the statistical confidence thresholds required to predict the impact of this variant on COL4A4 protein function. In summary, the currently available evidence indicates that the variant is pathogenic, but additional data are needed to prove that conclusively. Therefore, this variant has been classified as Likely Pathogenic.

Myriad Genetics, Inc.
Classification: Likely pathogenic for Alport syndrome. Last evaluated: 2025-09-17. Review status: criteria provided, single submitter. Criteria: Myriad Autosomal Dominant, Autosomal Recessive and X-Linked Classification Criteria (2023). Collection method: clinical testing. Allele origin: unknown.
Comment: NM_000092.4(COL4A4):c.5048G>A(C1683Y) is a missense variant classified as likely pathogenic in the context of Alport syndrome, COL4A4-related. C1683Y has been observed in a case with relevant disease (PMID: 26809805). Relevant functional assessments of this variant are not available in the literature. Internal structural analysis of the variant is supportive of pathogenicity. C1683Y has been observed in referenced population frequency databases. In summary, NM_000092.4(COL4A4):c.5048G>A(C1683Y) is a missense variant that has internal structural support for pathogenicity and has been observed more frequently in cases with the relevant disease than in healthy populations. Please note: this variant was assessed in the context of healthy population screening.

Institute of Human Genetics, University of Leipzig Medical Center
Classification: Likely pathogenic for Autosomal dominant Alport syndrome. Last evaluated: 2024-08-29. Review status: criteria provided, single submitter. Criteria: ACMG Guidelines, 2015. Collection method: clinical testing. Allele origin: unknown. Affected: yes.
Comment: Criteria applied: PS4_MOD, PM5, PM1_SUP, PM2_SUP, PP3

GeneDx
Classification: Likely pathogenic. Last evaluated: 2023-12-11. Review status: criteria provided, single submitter. Criteria: GeneDx Variant Classification Process June 2021. Collection method: clinical testing. Allele origin: germline. Affected: yes.
Comment: Not observed at a significant frequency in large population cohorts (gnomAD); In silico analysis supports that this missense variant has a deleterious effect on protein structure/function; This variant is associated with the following publications: (PMID: 36100708, 26809805)

Pittsburgh Clinical Genomics Laboratory, University of Pittsburgh Medical Center
Classification: Uncertain significance for Hematuria, benign familial, 1. Last evaluated: 2023-04-21. Review status: criteria provided, single submitter. Criteria: ACMG Guidelines, 2015. Collection method: clinical testing. Allele origin: germline. Inheritance: Autosomal unknown. Affected: yes.
Comment: This sequence variant is a single nucleotide substitution (G>A) at coding position 5048 of the COL4A4 gene that results in a cysteine to tyrosine amino acid change at residue 1683 of the COL4A4 protein. This variant falls within the Collagen IV NC1 domain which is important for association with other collagen proteins (PMID: 11375996). This is a previously reported variant (ClinVar) that has been observed in the literature in multiple individuals with COL4A4-related disorders (PMID: 36100708, 26809805). Bioinformatic tools predict that this variant would be damaging and the Tyr1683 residue is highly conserved across the vertebrate species examined. Functiol studies testing the effect of this variant on protein structure or activity have not been performed, to our knowledge. At this time, there is insufficient evidence to determine if this variant is pathogenic or benign. Therefore, we consider this to be a variant of uncertain significance. ACMG Criteria: PM2, PP3

Counsyl
Classification: Uncertain significance for Autosomal recessive Alport syndrome. Last evaluated: 2017-09-08. Review status: no assertion criteria provided. Collection method: clinical testing. Allele origin: unknown. Not counted in ClinVar's aggregate classification.

Literature cited by the submitters: PubMed 26809805 (cited by 5 submitters); PubMed 36100708 (cited by Women's Health and Genetics/Laboratory Corporation of America, LabCorp and Pittsburgh Clinical Genomics Laboratory, University of Pittsburgh Medical Center); PubMed 11375996 (cited by Pittsburgh Clinical Genomics Laboratory, University of Pittsburgh Medical Center).

NM_000092.5(COL4A4):c.5048G>A (p.Cys1683Tyr)

Gene: COL4A4 (collagen type IV alpha 4 chain; minus strand). Cytogenetic location: 2q36.3.
Variant type: single nucleotide variant.
Coding change: c.5048G>A on transcript NM_000092.5 (MANE Select); coding-DNA position 5048, G replaced by A.
Protein change: p.Cys1683Tyr; replaces cysteine 1683 with tyrosine.
Molecular consequence: missense variant.
Genome position (GRCh38, 1-based): chr2:227,007,350, C>T on the plus strand (G>A on the coding strand, the complement: COL4A4 is on the minus strand). VCF-style: chr2-227007350-C-T. GRCh37 (hg19) VCF-style: chr2-227872066-C-T.
Other names: short protein forms C1683Y.
Identifiers: ClinVar variation 553809 (VCV000553809.16), dbSNP rs1386495377, ClinGen allele CA351139905.